The following is an entry in ClinVar:

ClinVar aggregate classification (germline): Uncertain significance (1 of 4 stars; one submission).

Conditions:
Evans syndrome, immunodeficiency, and premature immunosenescence associated with tripeptidyl-peptidase II deficiency. Identifiers: MedGen CN231723. Disease mechanism: loss of function.

gnomAD v4.1: 2 of 1,613,888 alleles (0.00012%); highest among the groups gnomAD compares: Non-Finnish European, 0.00017%; no homozygotes.

Submission:

Labcorp Genetics (formerly Invitae), Labcorp
Classification: Uncertain significance for Evans syndrome, immunodeficiency, and premature immunosenescence associated with tripeptidyl-peptidase II deficiency. Last evaluated: 2020-12-27. Review status: criteria provided, single submitter. Criteria: Invitae Variant Classification Sherloc (09022015). Collection method: clinical testing. Allele origin: germline.
Comment: In summary, the available evidence is currently insufficient to determine the role of this variant in disease. Therefore, it has been classified as a Variant of Uncertain Significance. Algorithms developed to predict the effect of missense changes on protein structure and function are either unavailable or do not agree on the potential impact of this missense change (SIFT: "Tolerated"; PolyPhen-2: "Possibly Damaging"; Align-GVGD: "Class C0"). This variant has not been reported in the literature in individuals with TPP2-related conditions. This variant is not present in population databases (ExAC no frequency). This sequence change replaces leucine with valine at codon 1131 of the TPP2 protein (p.Leu1131Val). The leucine residue is moderately conserved and there is a small physicochemical difference between leucine and valine.

NM_001330588.2(TPP2):c.3430C>G (p.Leu1144Val)

Gene: TPP2 (tripeptidyl peptidase 2; plus strand). Cytogenetic location: 13q33.1.
Variant type: single nucleotide variant.
Coding change: c.3430C>G on transcript NM_001330588.2 (MANE Select); coding-DNA position 3430, C replaced by G.
Protein change: p.Leu1144Val; replaces leucine 1144 with valine.
Molecular consequence: missense variant. On other transcripts: non-coding transcript variant (1).
Genome position (GRCh38, 1-based): chr13:102,674,341, C>G. VCF-style: chr13-102674341-C-G. GRCh37 (hg19) VCF-style: chr13-103326691-C-G.
Other names: c.3517C>G, p.Leu1173Val (NM_001367947.1); c.3391C>G, p.Leu1131Val (NM_003291.4); short protein forms L1144V, L1173V, L1131V.
Identifiers: ClinVar variation 1432568 (VCV001432568.8), dbSNP rs1043723959, ClinGen allele CA388511863.
Genomic context (GRCh38, chr13:102,674,341, plus strand): 5'-AGTGACATGGACAAACAAAAATCCACCCTCGTAGATGCCCTTTGTAGGAAAGGTTGTGCC[C>G]TGGCAGACCATCTTCTTCACACCCAGGCTCAAGACGGAGCCATTTCCACTGATGCAGAAG-3'
Protein context (NP_001317517.1, residues 1134-1154): VDALCRKGCA[Leu1144Val]ADHLLHTQAQ